The following is an entry in ClinVar:

ClinVar aggregate classification (germline): Likely pathogenic (1 of 4 stars; one submission).

gnomAD v4.1: 1 of 1,562,572 alleles (0.000064%); highest among the groups gnomAD compares: Non-Finnish European, 0.000088%; no homozygotes.

Submission:

GeneDx
Classification: Likely pathogenic. Last evaluated: 2025-01-23. Review status: criteria provided, single submitter. Criteria: GeneDx Variant Classification Process June 2021. Collection method: clinical testing. Allele origin: germline. Affected: yes.
Comment: Canonical splice site variant predicted to result in a null allele in a gene for which loss of function is a known mechanism of disease; Not observed at significant frequency in large population cohorts (gnomAD); Has not been previously published as pathogenic or benign to our knowledge

NM_020937.4(FANCM):c.4516-2A>C

Gene: FANCM (FA complementation group M; plus strand). Cytogenetic location: 14q21.2.
Variant type: single nucleotide variant.
Coding change: c.4516-2A>C on transcript NM_020937.4 (MANE Select); the canonical splice acceptor site of the intron before coding-DNA position 4516, A replaced by C.
Molecular consequence: splice acceptor variant.
Genome position (GRCh38, 1-based): chr14:45,185,215, A>C. VCF-style: chr14-45185215-A-C. GRCh37 (hg19) VCF-style: chr14-45654418-A-C.
Other names: c.4438-2A>C (NM_001308133.2).
Identifiers: ClinVar variation 4071656 (VCV004071656.1).